The following is an entry in ClinVar:

NM_000051.4(ATM):c.5276del (p.Pro1759fs)

Gene: ATM (ATM serine/threonine kinase; plus strand). Cytogenetic location: 11q22.3.
Variant type: Deletion.
Coding change: c.5276del on transcript NM_000051.4 (MANE Select); coding-DNA position 5276, one base deleted (C; older notation c.5276delC).
Protein change: p.Pro1759fs; shifts the reading frame from proline 1759.
Molecular consequence: frameshift variant.
Genome position (GRCh38, 1-based): chr11:108,301,746, C deleted; the last of 2 consecutive C bases (chr11:108,301,745-108,301,746); deleting either gives the same sequence. VCF-style (leftmost placement, unchanged base first): chr11-108301744-TC-T. GRCh37 (hg19) VCF-style: chr11-108172471-TC-T.
Other names: p.Pro1759GlnfsTer17; c.5276del, p.Pro1759fs (NM_001351834.2); short protein forms P1759fs.
Identifiers: ClinVar variation 3255592 (VCV003255592.2).

ClinVar aggregate classification (germline): Likely pathogenic (1 of 4 stars; one submission).

Conditions:
Ataxia-telangiectasia syndrome (AT). Also called: Ataxia-telangiectasia, complementation group D; AT, COMPLEMENTATION GROUP C; ATAXIA-TELANGIECTASIA, COMPLEMENTATION GROUP A; ATAXIA-TELANGIECTASIA, FRESNO VARIANT; LOUIS-BAR SYNDROME; Cerebello-oculocutaneous telangiectasia. Identifiers: Orphanet 100, MedGen C0004135, MONDO:0008840, OMIM 208900.

Submission:

Breakthrough Genomics
Classification: Likely pathogenic for Ataxia-telangiectasia syndrome. Last evaluated: 2020-06-28. Review status: criteria provided, single submitter. Criteria: ACMG Guidelines, 2015. Collection method: clinical testing. Allele origin: germline. Affected: yes.
Comment: This variant is predicted to cause a frameshift and consequent premature termination of the proteinand the resultant protein will likely to FAT, PI3K/PI4K and FATC domains of the protein [UniProt]; this will likely result in loss-of-function. Due to the introduction of a premature stop codon, this aberrant transcript will likely be targeted by the nonsense-mediated mRNA decay (NMD) mechanism [PMID: 15040442]. The variant seems to be a novel variant, as it has not been previously reported in population or public databases or in the literature. However, several other truncating variants lying downstream of the identified variant, have been previously reported as ‘pathogenic’ in the ClinVar database context of ataxia-telangiectasia syndrome.